The following is an entry in ClinVar:

ClinVar aggregate classification (germline): Benign. Review status: criteria provided, multiple submitters, no conflicts (2 of 4 stars). 3 submissions from 3 submitters: Benign (3). Last evaluated 2026-02-01.

Conditions:
Inborn genetic diseases. Identifiers: MedGen C0950123, MeSH D030342.

Submissions (3):

Labcorp Genetics (formerly Invitae), Labcorp
Classification: Benign. Last evaluated: 2026-02-01. Review status: criteria provided, single submitter. Criteria: Invitae Variant Classification Sherloc (09022015). Collection method: clinical testing. Allele origin: germline.

Mayo Clinic Laboratories, Mayo Clinic
Classification: Benign. Last evaluated: 2025-08-07. Review status: criteria provided, single submitter. Criteria: ACMG Guidelines, 2015. Collection method: clinical testing. Allele origin: germline. Observed: 1 variant allele.
Comment: BA1

Ambry Genetics
Classification: Benign for Inborn genetic diseases. Last evaluated: 2021-10-01. Review status: criteria provided, single submitter. Criteria: Ambry Variant Classification Scheme 2023. Collection method: clinical testing. Allele origin: germline.

NM_001046.3(SLC12A2):c.288GGC[5] (p.Ala106_Ala107del)

Genes: SLC12A2 (solute carrier family 12 member 2; plus strand), LOC129994526 (ATAC-STARR-seq lymphoblastoid silent region 16295; plus strand). Cytogenetic location: 5q23.3.
Variant type: Microsatellite.
Coding change: c.288GGC[5] on transcript NM_001046.3 (MANE Select); five copies in a row of the 3-base unit GGC starting at c.288; the reference has seven copies in a row; two copies, 6 bases deleted; also written c.303_308del.
Protein change: p.Ala106_Ala107del.
Molecular consequence: inframe deletion. On other transcripts: non-coding transcript variant (1).
Genome position (GRCh38, 1-based): chr5:128,084,257-128,084,262, GGCGGC deleted; deleting any 6 consecutive bases within chr5:128,084,240-128,084,262 gives the same sequence; the position shown is the placement nearest the transcript's 3' end. VCF-style (leftmost placement, unchanged base first): chr5-128084239-TGCGGCG-T. GRCh37 (hg19) VCF-style: chr5-127419931-TGCGGCG-T.
Other names: p.Ala106_Ala107del; c.288GGC[5], p.Ala106_Ala107del (NM_001256461.2); c.303_308del (NM_001046.3).
Identifiers: ClinVar variation 1594970 (VCV001594970.10), dbSNP rs746633185, ClinGen allele CA3392755.